The following is an entry in ClinVar:

ClinVar aggregate classification (germline): Likely benign. Review status: criteria provided, multiple submitters, no conflicts (2 of 4 stars). 2 submissions from 2 submitters: Likely benign (2). Last evaluated 2025-07-24.

Conditions:
Juvenile polyposis syndrome (JPS). Identifiers: Orphanet 2929, MedGen C0345893, MONDO:0017380, OMIM 174900.

Submissions (2):

Labcorp Genetics (formerly Invitae), Labcorp
Classification: Likely benign for Juvenile polyposis syndrome. Last evaluated: 2025-07-24. Review status: criteria provided, single submitter. Criteria: Invitae Variant Classification Sherloc (09022015). Collection method: clinical testing. Allele origin: germline.

Myriad Genetics, Inc.
Classification: Likely benign for Juvenile polyposis syndrome. Last evaluated: 2024-08-06. Review status: criteria provided, single submitter. Criteria: Myriad Autosomal Dominant, Autosomal Recessive and X-Linked Classification Criteria (2023). Collection method: clinical testing. Allele origin: unknown.
Comment: This variant is considered likely benign. This variant is intronic and is not expected to impact mRNA splicing.

NM_004329.3(BMPR1A):c.1167-17G>A

Gene: BMPR1A (bone morphogenetic protein receptor type 1A; plus strand). Cytogenetic location: 10q23.2.
Variant type: single nucleotide variant.
Coding change: c.1167-17G>A on transcript NM_004329.3 (MANE Select); 17 bases into the intron before coding-DNA position 1167, G replaced by A.
Molecular consequence: intron variant.
Genome position (GRCh38, 1-based): chr10:86,921,503, G>A. VCF-style: chr10-86921503-G-A. GRCh37 (hg19) VCF-style: chr10-88681260-G-A.
Other names: c.1167-17G>A (NM_001406562.1, NM_001406568.1, NM_001406567.1 and 19 more transcripts); c.1083-17G>A (NM_001406584.1, NM_001406588.1, NM_001406587.1 and 2 more transcripts); c.1215-17G>A (NM_001406560.1); c.1242-17G>A (NM_001406559.1); c.1161-17G>A (NM_001406583.1); c.825-17G>A (NM_001406589.1).
Identifiers: ClinVar variation 3378553 (VCV003378553.2).